The following is an entry in ClinVar:

NM_015466.4(PTPN23):c.159+5G>A

Gene: PTPN23 (protein tyrosine phosphatase non-receptor type 23; plus strand). Cytogenetic location: 3p21.31.
Variant type: single nucleotide variant.
Coding change: c.159+5G>A on transcript NM_015466.4 (MANE Select); 5 bases into the intron after coding-DNA position 159, G replaced by A.
Molecular consequence: intron variant.
Genome position (GRCh38, 1-based): chr3:47,396,222, G>A. VCF-style: chr3-47396222-G-A. GRCh37 (hg19) VCF-style: chr3-47437712-G-A.
Other names: c.-92+5G>A (NM_001304482.2).
Identifiers: ClinVar variation 3372421 (VCV003372421.2).

ClinVar aggregate classification (germline): Uncertain significance. Review status: criteria provided, multiple submitters, no conflicts (2 of 4 stars). 2 submissions from 2 submitters: Uncertain significance (2). Last evaluated 2024-04-11.

gnomAD v4.1: 58 of 1,607,684 alleles (0.0036%); highest among the groups gnomAD compares: South Asian, 0.012%; no homozygotes.

Submissions (2):

GeneDx
Classification: Uncertain significance. Last evaluated: 2024-04-11. Review status: criteria provided, single submitter. Criteria: GeneDx Variant Classification Process June 2021. Collection method: clinical testing. Allele origin: germline. Affected: yes.
Comment: In silico analysis indicates that this variant does not alter splicing; Has not been previously published as pathogenic or benign to our knowledge

Blueprint Genetics
Classification: Uncertain significance. Last evaluated: 2023-09-06. Review status: criteria provided, single submitter. Criteria: ACMG Guidelines, 2015. Collection method: clinical testing. Allele origin: germline.